The following is an entry in ClinVar:

ClinVar aggregate classification (germline): Conflicting classifications of pathogenicity. Review status: criteria provided, conflicting classifications (1 of 4 stars). 4 submissions from 4 submitters: Uncertain significance (3); Likely benign (1). Last evaluated 2025-08-01.

Conditions:
Breast-ovarian cancer, familial, susceptibility to, 2 (BROVCA2). Also called: BRCA2 Hereditary Breast and Ovarian Cancer. Identifiers: Orphanet 145, MedGen C2675520, MONDO:0012933, OMIM 612555. Disease mechanism: loss of function.
Hereditary cancer-predisposing syndrome. Also called: Neoplastic Syndromes, Hereditary; Hereditary neoplastic syndrome; Tumor predisposition; Hereditary Cancer Syndrome. Identifiers: Orphanet 140162, MedGen C0027672, MeSH D009386, MONDO:0015356.
Hereditary breast ovarian cancer syndrome. Also called: Hereditary breast and ovarian cancer syndrome; Hereditary breast and ovarian cancer syndrome (HBOC); BRCA1- and BRCA2-Associated Hereditary Breast and Ovarian Cancer; Hereditary breast and ovarian cancer; Breast and ovarian cancer; Hereditary breast and/or ovarian cancer syndrome. Identifiers: Orphanet 145, MedGen C0677776, MeSH D061325, MONDO:0003582. Disease mechanism: loss of function.

Submissions (4):

Ambry Genetics
Classification: Uncertain significance for Hereditary cancer-predisposing syndrome. Last evaluated: 2025-08-01. Review status: criteria provided, single submitter. Criteria: Ambry Variant Classification Scheme 2023. Collection method: clinical testing. Allele origin: germline.
Comment: The p.P1062S variant (also known as c.3184C>T), located in coding exon 10 of the BRCA2 gene, results from a C to T substitution at nucleotide position 3184. The proline at codon 1062 is replaced by serine, an amino acid with similar properties. This alteration was identified in a cohort of patients diagnosed with biliary tract carcinoma undergoing multigene panel testing for hereditary cancer risk (Terashima T et al. Oncotarget. 2019 Oct;10:5949-5957). This alteration was observed with an allele frequency of 0.00014 in 7,051 unselected female breast cancer patients and was not observed in 11,241 female controls of Japanese ancestry. In addition, it was not observed in unselected male breast cancer patients and was observed with an allele frequency of 0.0001 in 12490 male controls of Japanese ancestry (Momozawa Y et al. Nat Commun. 2018 10;9:4083). This amino acid position is well conserved in available vertebrate species. In addition, this alteration is predicted to be tolerated by in silico analysis. Since supporting evidence is limited at this time, the clinical significance of this alteration remains unclear.

All of Us Research Program, National Institutes of Health
Classification: Uncertain significance for Breast-ovarian cancer, familial, susceptibility to, 2. Last evaluated: 2023-11-02. Review status: criteria provided, single submitter. Criteria: ACMG Guidelines, 2015. Collection method: clinical testing. Allele origin: germline. Inheritance: Autosomal dominant inheritance. Observed: 1 variant allele, 1 heterozygote.
Comment: This missense variant replaces proline with serine at codon 1062 of the BRCA2 protein. Computational prediction suggests that this variant may not impact protein structure and function (internally defined REVEL score threshold <= 0.5, PMID: 27666373). To our knowledge, functional studies have not been reported for this variant. This variant has been reported in two individuals affected with breast and/or ovarian cancer and 3 unaffected individuals (PMID: 29215753, 30287823, 33471991; Leiden Open Variation Database DB-ID BRCA2_006350). This variant also has been detected in a pancreatic and a prostate cancer case-control study, in which it was detected in an unaffected individual in each study and absent in cancer cases (PMID: 31214711, 32980694). This variant has not been identified in the general population by the Genome Aggregation Database (gnomAD). The available evidence is insufficient to determine the role of this variant in disease conclusively. Therefore, this variant is classified as a Variant of Uncertain Significance.

This study involves interpretation of variants in research participants for the purpose of population health screening. Participant phenotype was not available at the time of variant classification. Additional details can be found in publication PMID: 35346344, PMCID: PMC8962531

University of Washington Department of Laboratory Medicine, University of Washington
Classification: Likely benign for Hereditary cancer-predisposing syndrome. Last evaluated: 2023-03-23. Review status: criteria provided, single submitter. Criteria: Dines et al. (Genet Med. 2020). Collection method: curation. Allele origin: germline.
Comment: Missense variant in a coldspot region where missense variants are very unlikely to be pathogenic (PMID:31911673).

BRCA2 exon 11 coldspot. Reclassification based on statistical prior probability.

Labcorp Genetics (formerly Invitae), Labcorp
Classification: Uncertain significance for Hereditary breast ovarian cancer syndrome. Last evaluated: 2022-01-26. Review status: criteria provided, single submitter. Criteria: Invitae Variant Classification Sherloc (09022015). Collection method: clinical testing. Allele origin: germline.
Comment: This variant is not present in population databases (gnomAD no frequency). This sequence change replaces proline, which is neutral and non-polar, with serine, which is neutral and polar, at codon 1062 of the BRCA2 protein (p.Pro1062Ser). This missense change has been observed in individual(s) with breast cancer (PMID: 29215753, 30287823). In summary, the available evidence is currently insufficient to determine the role of this variant in disease. Therefore, it has been classified as a Variant of Uncertain Significance. Advanced modeling of protein sequence and biophysical properties (such as structural, functional, and spatial information, amino acid conservation, physicochemical variation, residue mobility, and thermodynamic stability) performed at Invitae indicates that this missense variant is not expected to disrupt BRCA2 protein function. ClinVar contains an entry for this variant (Variation ID: 531391).

Literature cited by the submitters: PubMed 30287823 (cited by 3 submitters); PubMed 31666926 (cited by Ambry Genetics); PubMed 29215753 (cited by All of Us Research Program, National Institutes of Health and Labcorp Genetics (formerly Invitae), Labcorp); PubMed 31214711 (cited by All of Us Research Program, National Institutes of Health); PubMed 32980694 (cited by All of Us Research Program, National Institutes of Health); PubMed 33471991 (cited by All of Us Research Program, National Institutes of Health).

NM_000059.4(BRCA2):c.3184C>T (p.Pro1062Ser)

Gene: BRCA2 (BRCA2 DNA repair associated; plus strand). Cytogenetic location: 13q13.1.
Variant type: single nucleotide variant.
Coding change: c.3184C>T on transcript NM_000059.4 (MANE Select); coding-DNA position 3184, C replaced by T.
Protein change: p.Pro1062Ser; replaces proline 1062 with serine.
Molecular consequence: missense variant.
Genome position (GRCh38, 1-based): chr13:32,337,539, C>T. VCF-style: chr13-32337539-C-T. GRCh37 (hg19) VCF-style: chr13-32911676-C-T.
Other names: short protein forms P1062S.
Identifiers: ClinVar variation 531391 (VCV000531391.19), dbSNP rs1555283083, ClinGen allele CA387775836.